The following is an entry in ClinVar:

ClinVar aggregate classification (germline): Uncertain significance (1 of 4 stars; one submission).

Conditions:
PLXNA1-related disorder. Also called: PLXNA1-related condition.

gnomAD v4.1: 2 of 1,613,602 alleles (0.00012%); highest among the groups gnomAD compares: Admixed American, 0.0017%; no homozygotes.

Submission:

PreventionGenetics, part of Exact Sciences
Classification: Uncertain significance for PLXNA1-related condition. Last evaluated: 2025-02-18. Review status: criteria provided, single submitter. Criteria: ACMG Guidelines, 2015. Collection method: clinical testing. Allele origin: germline.
Comment: The PLXNA1 c.2246C>G variant is predicted to result in the amino acid substitution p.Pro749Arg. To our knowledge, this variant has not been reported in the literature or in a large population database (gnomAD), indicating this variant is rare. At this time, the clinical significance of this variant is uncertain due to the absence of conclusive functional and genetic evidence.

NM_032242.4(PLXNA1):c.2246C>G (p.Pro749Arg)

Gene: PLXNA1 (plexin A1; plus strand). Cytogenetic location: 3q21.3.
Variant type: single nucleotide variant.
Coding change: c.2246C>G on transcript NM_032242.4 (MANE Select); coding-DNA position 2246, C replaced by G.
Protein change: p.Pro749Arg; replaces proline 749 with arginine.
Molecular consequence: missense variant.
Genome position (GRCh38, 1-based): chr3:127,012,091, C>G. VCF-style: chr3-127012091-C-G. GRCh37 (hg19) VCF-style: chr3-126730934-C-G.
Other names: short protein forms P749R.
Identifiers: ClinVar variation 4990758 (VCV004990758.1).